The following is an entry in ClinVar:

NM_000384.3(APOB):c.11362G>A (p.Glu3788Lys)

Gene: APOB (apolipoprotein B; minus strand). Cytogenetic location: 2p24.1.
Variant type: single nucleotide variant.
Coding change: c.11362G>A on transcript NM_000384.3 (MANE Select); coding-DNA position 11362, G replaced by A.
Protein change: p.Glu3788Lys; replaces glutamic acid 3788 with lysine.
Molecular consequence: missense variant.
Genome position (GRCh38, 1-based): chr2:21,005,506, C>T on the plus strand (G>A on the coding strand, the complement: APOB is on the minus strand). VCF-style: chr2-21005506-C-T. GRCh37 (hg19) VCF-style: chr2-21228378-C-T.
Other names: short protein forms E3788K.
Identifiers: ClinVar variation 334100 (VCV000334100.17), dbSNP rs13306191, ClinGen allele CA046437.

ClinVar aggregate classification (germline): Conflicting classifications of pathogenicity. Review status: criteria provided, conflicting classifications (1 of 4 stars). 7 submissions from 6 submitters: Uncertain significance (4); Benign (1); Likely benign (1). 1 of the submissions does not count toward it. Last evaluated 2026-03-18.

Conditions:
Hypercholesterolemia, autosomal dominant, type B (FHCL2). Also called: HYPERCHOLESTEROLEMIA, FAMILIAL, DUE TO LIGAND-DEFECTIVE APOLIPOPROTEIN B; APOB-Related Familial Hypercholesterolemia, Autosomal Dominant; Familial Hypercholesterolemia Type B; Hyperlipoproteinemia Type IIb; APOLIPOPROTEIN B-100, FAMILIAL DEFECTIVE; APOLIPOPROTEIN B-100, FAMILIAL LIGAND-DEFECTIVE. Identifiers: MedGen C1704417, MONDO:0007751, OMIM 144010.
Familial hypobetalipoproteinemia 1. Also called: APOB-Related Familial Hypobetalipoproteinemia; Hypobetalipoproteinemia, normotriglyceridemic; Acanthocytosis with hypobetalipoproteinemia. Identifiers: MedGen C4551990, MONDO:0014252, OMIM 615558.
Hypercholesterolemia. Also called: Primary hypercholesterolemia; Hypercholesterolaemia. Identifiers: MedGen C0020443, MeSH D006937, HP:0003124.
Cardiovascular phenotype. Identifiers: MedGen CN230736.

Allele frequency attached by ClinVar (database versions not stated): gnomAD 0.00005 and 0.00012; TOPMed 0.00006; gnomAD exomes 0.00010 and 0.00026; ExAC 0.00012.
gnomAD v4.1: 387 of 1,613,916 alleles (0.024%); highest among the groups gnomAD compares: East Asian, 0.83%; 2 homozygotes.

Submissions (7):

GeneDx
Classification: Uncertain significance. Last evaluated: 2026-03-18. Review status: criteria provided, single submitter. Criteria: GeneDx Variant Classification Process June 2021. Collection method: clinical testing. Allele origin: germline.
Comment: In silico analysis suggests that this missense variant does not alter protein structure/function; Also known as p.(E3761K); This variant is associated with the following publications: (PMID: 32115487, 36190978)

Labcorp Genetics (formerly Invitae), Labcorp
Classification: Likely benign for Familial hypobetalipoproteinemia 1; Hypercholesterolemia, autosomal dominant, type B. Last evaluated: 2025-10-07. Review status: criteria provided, single submitter. Criteria: Invitae Variant Classification Sherloc (09022015). Collection method: clinical testing. Allele origin: germline.

Ambry Genetics
Classification: Benign for Cardiovascular phenotype. Last evaluated: 2024-04-03. Review status: criteria provided, single submitter. Criteria: Ambry Variant Classification Scheme 2023. Collection method: clinical testing. Allele origin: germline.

Department of Pathology and Laboratory Medicine, Sinai Health System
Classification: Uncertain significance for hypercholesterolemia, autosomal dominant, type B. Last evaluated: 2021-07-30. Review status: criteria provided, single submitter. Criteria: ACMG Guidelines, 2015. Collection method: research. Allele origin: germline.

Illumina Laboratory Services, Illumina
Classification: Uncertain significance for Familial hypobetalipoproteinemia 1. Last evaluated: 2018-01-13. Review status: criteria provided, single submitter. Criteria: ICSL Variant Classification Criteria 13 December 2019. Collection method: clinical testing. Allele origin: germline.

Illumina Laboratory Services, Illumina
Classification: Uncertain significance for Hypercholesterolemia, autosomal dominant, type B. Last evaluated: 2018-01-13. Review status: criteria provided, single submitter. Criteria: ICSL Variant Classification Criteria 13 December 2019. Collection method: clinical testing. Allele origin: germline.

CSER _CC_NCGL, University of Washington
Classification: Likely benign for Hypercholesterolemia. Last evaluated: 2016-08-01. Review status: no assertion criteria provided. Collection method: research. Allele origin: germline. Inheritance: Autosomal dominant inheritance. Study: CSER - NEXT Medicine variant annotation. Not counted in ClinVar's aggregate classification.

Literature cited by the submitters: PubMed 32115487 (cited by Ambry Genetics); PubMed 36190978 (cited by Ambry Genetics).